The following is an entry in ClinVar:

ClinVar aggregate classification (germline): Conflicting classifications of pathogenicity. Review status: criteria provided, conflicting classifications (1 of 4 stars). 8 submissions from 8 submitters: Likely pathogenic (2); Uncertain significance (4). 2 of the submissions do not count toward it. Last evaluated 2026-04-01.

Conditions:
ASS1-related disorder. Also called: ASS1-related condition.
Citrullinemia. Identifiers: Orphanet 187, MedGen C0175683, MONDO:0015991.
Citrullinemia type I (CTNL1). Also called: argininosuccinate synthetase deficiency; ASS DEFICIENCY. Identifiers: Orphanet 247525, MedGen C4721769, MONDO:0008988, OMIM 215700.

Allele frequency attached by ClinVar (database versions not stated): gnomAD 0.00001 and 0.00002; ExAC 0.00005; gnomAD exomes 0.00005 and 0.00008; TOPMed 0.00006; 1000 Genomes Project 30x 0.00016; 1000 Genomes Project 0.00020.
gnomAD v4.1: 114 of 1,613,956 alleles (0.0071%); highest among the groups gnomAD compares: Admixed American, 0.013%; no homozygotes.

Submissions (8):

Greenwood Genetic Center Diagnostic Laboratories, Greenwood Genetic Center
Classification: Uncertain significance. Last evaluated: 2026-04-01. Review status: criteria provided, single submitter. Criteria: ACMG Guidelines, 2015. Collection method: clinical testing. Allele origin: germline.
Comment: PM2, PM5_Supporting, PP3

Labcorp Genetics (formerly Invitae), Labcorp
Classification: Likely pathogenic for Citrullinemia. Last evaluated: 2025-12-23. Review status: criteria provided, single submitter. Criteria: Invitae Variant Classification Sherloc (09022015). Collection method: clinical testing. Allele origin: germline.
Comment: This sequence change replaces arginine, which is basic and polar, with histidine, which is basic and polar, at codon 307 of the ASS1 protein (p.Arg307His). This variant is present in population databases (rs571576756, gnomAD 0.02%). This missense change has been observed in individual(s) with citrullinemia (internal data). In at least one individual the data is consistent with being in trans (on the opposite chromosome) from a pathogenic variant. ClinVar contains an entry for this variant (Variation ID: 528371). Invitae Evidence Modeling of protein sequence and biophysical properties (such as structural, functional, and spatial information, amino acid conservation, physicochemical variation, residue mobility, and thermodynamic stability) has been performed for this missense variant. However, the output from this modeling did not meet the statistical confidence thresholds required to predict the impact of this variant on ASS1 protein function. This variant disrupts the p.Arg307 amino acid residue in ASS1. Other variant(s) that disrupt this residue have been determined to be pathogenic (PMID: 14680976; internal data). This suggests that this residue is clinically significant, and that variants that disrupt this residue are likely to be disease-causing. In summary, the currently available evidence indicates that the variant is pathogenic, but additional data are needed to prove that conclusively. Therefore, this variant has been classified as Likely Pathogenic.

Women's Health and Genetics/Laboratory Corporation of America, LabCorp
Classification: Uncertain significance. Last evaluated: 2025-10-22. Review status: criteria provided, single submitter. Criteria: LabCorp Variant Classification Summary - May 2015. Collection method: clinical testing. Allele origin: germline.
Comment: Variant summary: ASS1 c.920G>A (p.Arg307His) results in a non-conservative amino acid change located in the catalytic/multimerization domain (IPR024074) of the encoded protein sequence. Algorithms developed to predict the effect of missense changes on protein structure and function all suggest that this variant is likely to be disruptive. The variant allele was found at a frequency of 5.2e-05 in 251430 control chromosomes. This frequency is not significantly higher than estimated for a pathogenic variant in ASS1 causing Citrullinemia Type I (5.2e-05 vs 0.0041), allowing no conclusion about variant significance. These data do not allow any conclusion about variant significance. To our knowledge, no experimental evidence demonstrating an impact on protein function has been reported. ClinVar contains an entry for this variant (Variation ID: 528371). Based on the evidence outlined above, the variant was classified as uncertain significance.

Fulgent Genetics
Classification: Likely pathogenic for Citrullinemia type I. Last evaluated: 2024-06-05. Review status: criteria provided, single submitter. Criteria: ACMG Guidelines, 2015. Collection method: clinical testing. Allele origin: germline.

Eurofins Ntd Llc (ga)
Classification: Uncertain significance. Last evaluated: 2018-02-01. Review status: criteria provided, single submitter. Criteria: EGL Classification Definitions 2015. Collection method: clinical testing. Allele origin: germline. Observed: 1 variant allele, 1 heterozygote.

Juno Genomics, Hangzhou Juno Genomics, Inc
Classification: Uncertain significance for Citrullinemia type I. Review status: criteria provided, single submitter. Criteria: ACMG Guidelines, 2015. Collection method: clinical testing. Allele origin: germline.
Comment: Absent from controls (or at extremely low frequency if recessive) in Genome Aggregation Database.;Multiple lines of computational evidence support a deleterious effect on the gene or gene product.

PreventionGenetics, part of Exact Sciences
Classification: Uncertain significance for ASS1-related condition. Last evaluated: 2024-08-28. Review status: no assertion criteria provided. Collection method: clinical testing. Allele origin: germline. Not counted in ClinVar's aggregate classification.
Comment: The ASS1 c.920G>A variant is predicted to result in the amino acid substitution p.Arg307His. To our knowledge, this variant has not been reported in the literature. This variant is reported in 0.020% of alleles in individuals of Latino descent in gnomAD. Of note, a different substitution affecting the same amino acid residue (c.919C>T, p.Arg307Cys) has reported to be pathogenic for autosomal recessive citrullinemia (Haberle et al. 2003. PubMed ID: 14680976; Diez-Fernandez et al. 2017. PubMed ID: 28111830). At this time, the clinical significance of the c.920G>A (p.Arg307His) variant is uncertain due to the absence of conclusive functional and genetic evidence.

Natera, Inc.
Classification: Uncertain significance for Citrullinemia type I. Last evaluated: 2020-06-04. Review status: no assertion criteria provided. Collection method: clinical testing. Allele origin: germline. Not counted in ClinVar's aggregate classification.

Literature cited by the submitters: PubMed 14680976 (cited by Labcorp Genetics (formerly Invitae), Labcorp).

NM_054012.4(ASS1):c.920G>A (p.Arg307His)

Gene: ASS1 (argininosuccinate synthase 1; plus strand). Cytogenetic location: 9q34.11.
Variant type: single nucleotide variant.
Coding change: c.920G>A on transcript NM_054012.4 (MANE Select); coding-DNA position 920, G replaced by A.
Protein change: p.Arg307His; replaces arginine 307 with histidine.
Molecular consequence: missense variant.
Genome position (GRCh38, 1-based): chr9:130,489,414, G>A. VCF-style: chr9-130489414-G-A. GRCh37 (hg19) VCF-style: chr9-133364801-G-A.
Other names: c.920G>A, p.Arg307His (NM_000050.4); short protein forms R307H.
Identifiers: ClinVar variation 528371 (VCV000528371.19), dbSNP rs571576756, ClinGen allele CA5283573.